The following is an entry in ClinVar:

NM_002635.4(SLC25A3):c.6C>G (p.Phe2Leu)

Gene: SLC25A3 (solute carrier family 25 member 3; plus strand). Cytogenetic location: 12q23.1.
Variant type: single nucleotide variant.
Coding change: c.6C>G on transcript NM_002635.4 (MANE Select); coding-DNA position 6, C replaced by G.
Protein change: p.Phe2Leu; replaces phenylalanine 2 with leucine.
Molecular consequence: missense variant.
Genome position (GRCh38, 1-based): chr12:98,593,984, C>G. VCF-style: chr12-98593984-C-G. GRCh37 (hg19) VCF-style: chr12-98987762-C-G.
Other names: c.6C>G, p.Phe2Leu (NM_005888.4, NM_213611.3); short protein forms F2L.
Identifiers: ClinVar variation 2047772 (VCV002047772.4), dbSNP rs778865084, ClinGen allele CA6732781.

ClinVar aggregate classification (germline): Uncertain significance (1 of 4 stars; one submission).

Allele frequency attached by ClinVar (database versions not stated): ExAC 0.00002; gnomAD 0.00001.
gnomAD v4.1: 8 of 1,613,824 alleles (0.0005%); highest among the groups gnomAD compares: Admixed American, 0.0017%; no homozygotes.

Submission:

Labcorp Genetics (formerly Invitae), Labcorp
Classification: Uncertain significance. Last evaluated: 2022-06-30. Review status: criteria provided, single submitter. Criteria: Invitae Variant Classification Sherloc (09022015). Collection method: clinical testing. Allele origin: germline.
Comment: In summary, the available evidence is currently insufficient to determine the role of this variant in disease. Therefore, it has been classified as a Variant of Uncertain Significance. Algorithms developed to predict the effect of missense changes on protein structure and function are either unavailable or do not agree on the potential impact of this missense change (SIFT: "Deleterious"; PolyPhen-2: "Benign"; Align-GVGD: "Class C0"). This variant has not been reported in the literature in individuals affected with SLC25A3-related conditions. This variant is present in population databases (rs778865084, gnomAD 0.003%). This sequence change replaces phenylalanine, which is neutral and non-polar, with leucine, which is neutral and non-polar, at codon 2 of the SLC25A3 protein (p.Phe2Leu).